The following is an entry in ClinVar:

NM_002474.3(MYH11):c.210G>C (p.Thr70=)

Gene: MYH11 (myosin heavy chain 11; minus strand). Cytogenetic location: 16p13.11.
Variant type: single nucleotide variant.
Coding change: c.210G>C on transcript NM_002474.3 (MANE Select); coding-DNA position 210, G replaced by C.
Protein change: p.Thr70=; no amino-acid change (threonine 70 retained).
Molecular consequence: synonymous variant.
Genome position (GRCh38, 1-based): chr16:15,838,043, C>G on the plus strand (G>C on the coding strand, the complement: MYH11 is on the minus strand). VCF-style: chr16-15838043-C-G. GRCh37 (hg19) VCF-style: chr16-15931900-C-G.
Other names: c.210G>C, p.Thr70= (NM_001040113.2, NM_001040114.2, NM_022844.3).
Identifiers: ClinVar variation 2985461 (VCV002985461.4), dbSNP rs751505124, ClinGen allele CA494102561.

ClinVar aggregate classification (germline): Likely benign. Review status: criteria provided, multiple submitters, no conflicts (2 of 4 stars). 2 submissions from 2 submitters: Likely benign (2). Last evaluated 2024-05-14.

Conditions:
Familial thoracic aortic aneurysm and aortic dissection (TAAD). Also called: Thoracic aortic aneurysms and dissections. Identifiers: Orphanet 91387, MedGen C4707243, MONDO:0019625.
Aortic aneurysm, familial thoracic 4 (AAT4). Also called: AORTIC ANEURYSM/AORTIC DISSECTION AND PATENT DUCTUS ARTERIOSUS. Identifiers: MedGen C1851504, MONDO:0007568, OMIM 132900.

Submissions (2):

All of Us Research Program, National Institutes of Health
Classification: Likely benign for Familial thoracic aortic aneurysm and aortic dissection. Last evaluated: 2024-05-14. Review status: criteria provided, single submitter. Criteria: ACMG Guidelines, 2015. Collection method: clinical testing. Allele origin: germline. Inheritance: Autosomal dominant inheritance. Observed: 1 variant allele, 1 heterozygote.
Comment: This study involves interpretation of variants in research participants for the purpose of population health screening. Participant phenotype was not available at the time of variant classification. Additional details can be found in publication PMID: 35346344, PMCID: PMC8962531

Labcorp Genetics (formerly Invitae), Labcorp
Classification: Likely benign for Aortic aneurysm, familial thoracic 4. Last evaluated: 2023-09-28. Review status: criteria provided, single submitter. Criteria: Invitae Variant Classification Sherloc (09022015). Collection method: clinical testing. Allele origin: germline.